The following is an entry in ClinVar:

ClinVar aggregate classification (germline): Uncertain significance. Review status: criteria provided, multiple submitters, no conflicts (2 of 4 stars). 2 submissions from 2 submitters: Uncertain significance (2). Last evaluated 2024-06-11.

Conditions:
Inborn genetic diseases. Identifiers: MedGen C0950123, MeSH D030342.

Allele frequency attached by ClinVar (database versions not stated): ExAC 0.00015; TOPMed 0.00015; gnomAD 0.00016; ESP Exome Variant Server 0.00031.
gnomAD v4.1: 41 of 1,573,696 alleles (0.0026%); highest among the groups gnomAD compares: African/African-American, 0.051%; no homozygotes.

Submissions (2):

Ambry Genetics
Classification: Uncertain significance for Inborn genetic diseases. Last evaluated: 2024-06-11. Review status: criteria provided, single submitter. Criteria: Ambry Variant Classification Scheme 2023. Collection method: clinical testing. Allele origin: germline.

Labcorp Genetics (formerly Invitae), Labcorp
Classification: Uncertain significance. Last evaluated: 2023-04-07. Review status: criteria provided, single submitter. Criteria: Invitae Variant Classification Sherloc (09022015). Collection method: clinical testing. Allele origin: germline.
Comment: This variant is present in population databases (rs139963742, gnomAD 0.08%). In summary, the available evidence is currently insufficient to determine the role of this variant in disease. Therefore, it has been classified as a Variant of Uncertain Significance. Advanced modeling of protein sequence and biophysical properties (such as structural, functional, and spatial information, amino acid conservation, physicochemical variation, residue mobility, and thermodynamic stability) performed at Invitae indicates that this missense variant is not expected to disrupt WDR4 protein function. ClinVar contains an entry for this variant (Variation ID: 2059863). This variant has not been reported in the literature in individuals affected with WDR4-related conditions. This sequence change replaces valine, which is neutral and non-polar, with leucine, which is neutral and non-polar, at codon 281 of the WDR4 protein (p.Val281Leu).

NM_018669.6(WDR4):c.841G>T (p.Val281Leu)

Gene: WDR4 (WDR4 tRNA N7-guanosine methyltransferase non-catalytic subunit; minus strand). Cytogenetic location: 21q22.3.
Variant type: single nucleotide variant.
Coding change: c.841G>T on transcript NM_018669.6 (MANE Select); coding-DNA position 841, G replaced by T.
Protein change: p.Val281Leu; replaces valine 281 with leucine.
Molecular consequence: missense variant. On other transcripts: non-coding transcript variant (1).
Genome position (GRCh38, 1-based): chr21:42,853,703, C>A on the plus strand (G>T on the coding strand, the complement: WDR4 is on the minus strand). VCF-style: chr21-42853703-C-A. GRCh37 (hg19) VCF-style: chr21-44273813-C-A.
Other names: c.838G>T, p.Val280Leu (NM_001260474.2); c.403G>T, p.Val135Leu (NM_001260475.2, NM_001260476.2, NM_001260477.2 and 1 more transcripts); c.841G>T, p.Val281Leu (NM_033661.5); c.841G>T (NM_018669.4); short protein forms V280L, V135L, V281L.
Identifiers: ClinVar variation 2059863 (VCV002059863.4), dbSNP rs139963742, ClinGen allele CA10045904.